The following is an entry in ClinVar:

ClinVar aggregate classification (germline): Pathogenic. Review status: criteria provided, multiple submitters, no conflicts (2 of 4 stars). 2 submissions from 2 submitters: Pathogenic (2). Last evaluated 2025-04-30.

Conditions:
Mendelian susceptibility to mycobacterial diseases due to complete IL12RB1 deficiency. Also called: IL12RB1 DEFICIENCY; Immunodeficiency 30. Identifiers: Orphanet 319552, MedGen C4013949, MONDO:0013955, OMIM 614891.

Allele frequency attached by ClinVar (database versions not stated): TOPMed 0.00002.

Submissions (2):

Labcorp Genetics (formerly Invitae), Labcorp
Classification: Pathogenic for Mendelian susceptibility to mycobacterial diseases due to complete IL12RB1 deficiency. Last evaluated: 2025-04-30. Review status: criteria provided, single submitter. Criteria: Invitae Variant Classification Sherloc (09022015). Collection method: clinical testing. Allele origin: germline.
Comment: This sequence change creates a premature translational stop signal (p.Ala589Profs*31) in the IL12RB1 gene. It is expected to result in an absent or disrupted protein product. Loss-of-function variants in IL12RB1 are known to be pathogenic (PMID: 9603733, 12591909). This variant is not present in population databases (gnomAD no frequency). This premature translational stop signal has been observed in individual(s) with IL12RB1-related conditions (PMID: 21057261). ClinVar contains an entry for this variant (Variation ID: 803545). For these reasons, this variant has been classified as Pathogenic.

Mendelics
Classification: Pathogenic for Mendelian susceptibility to mycobacterial diseases due to complete IL12RB1 deficiency. Last evaluated: 2019-05-28. Review status: criteria provided, single submitter. Criteria: Mendelics Assertion Criteria 2017. Collection method: clinical testing. Allele origin: unknown.

Literature cited by the submitters: PubMed 9603733 (cited by Labcorp Genetics (formerly Invitae), Labcorp); PubMed 12591909 (cited by Labcorp Genetics (formerly Invitae), Labcorp); PubMed 21057261 (cited by Labcorp Genetics (formerly Invitae), Labcorp).

NM_005535.3(IL12RB1):c.1765del (p.Ala589fs)

Gene: IL12RB1 (interleukin 12 receptor subunit beta 1; minus strand). Cytogenetic location: 19p13.11.
Variant type: Deletion.
Coding change: c.1765del on transcript NM_005535.3 (MANE Select); coding-DNA position 1765, one base deleted (G; older notation c.1765delG).
Protein change: p.Ala589fs; shifts the reading frame from alanine 589.
Molecular consequence: frameshift variant.
Genome position (GRCh38, 1-based): chr19:18,061,148, C deleted on the plus strand (G on the coding strand, the reverse complement: IL12RB1 is on the minus strand). VCF-style (leftmost placement, unchanged base first): chr19-18061147-GC-G. GRCh37 (hg19) VCF-style: chr19-18171957-GC-G.
Other names: c.1765del, p.Ala589fs (NM_001290023.2); c.1885delG, p.Ala629Profs (NM_001290024.2); short protein forms A629fs, A589fs.
Identifiers: ClinVar variation 803545 (VCV000803545.3), dbSNP rs1476855887, ClinGen allele CA783893664.